The following is an entry in ClinVar:

NM_001267550.2(TTN):c.92287dup (p.Ser30763fs)

Genes: TTN (titin; minus strand), TTN-AS1 (TTN antisense RNA 1; plus strand). Cytogenetic location: 2q31.2.
Variant type: Duplication.
Coding change: c.92287dup on transcript NM_001267550.2 (MANE Select); coding-DNA position 92287, one base duplicated (A; older notation c.92287dupA).
Protein change: p.Ser30763fs; shifts the reading frame from serine 30763.
Molecular consequence: frameshift variant.
Genome position (GRCh38, 1-based): chr2:178,549,339, T duplicated on the plus strand (A on the coding strand, the reverse complement: TTN is on the minus strand); the first of 4 consecutive T bases (chr2:178,549,339-178,549,342); duplicating any one gives the same sequence. VCF-style (leftmost placement, unchanged base first): chr2-178549338-C-CT. GRCh37 (hg19) VCF-style: chr2-179414065-C-CT.
Other names: c.87364dup, p.Ser29122fs (NM_001256850.1); c.65092dup, p.Ser21698fs (NM_003319.4); c.84583dup, p.Ser28195fs (NM_133378.4); c.65467dup, p.Ser21823fs (NM_133432.3); c.65668dup, p.Ser21890fs (NM_133437.4); c.65092dupA (NM_003319.4); short protein forms S21698fs, S29122fs, S21823fs, S21890fs, S30763fs, S28195fs.
Identifiers: ClinVar variation 4827041 (VCV004827041.1).
Genomic context (GRCh38, chr2:178,549,338, plus strand): 5'-GTGACTTTGAATCTTGTTTCAGAGATTGGTCGTTTGCTGATCACTTTTACCCATCTTGTG[C>CT]TTTTCTTTTCTCTTCTTTCAAGGATATACTGTTGAATTTCACTGCCACCATCTGATTCTG-3'

ClinVar aggregate classification (germline): Likely pathogenic (1 of 4 stars; one submission).

Conditions:
Cardiovascular phenotype. Identifiers: MedGen CN230736.

Submission:

Ambry Genetics
Classification: Likely pathogenic for Cardiovascular phenotype. Last evaluated: 2026-03-02. Review status: criteria provided, single submitter. Criteria: Ambry Variant Classification Scheme 2023. Collection method: clinical testing. Allele origin: germline.
Comment: The c.65092dupA variant, located in coding exon 166 of the TTN gene, results from a duplication of A at nucleotide position 65092, causing a translational frameshift with a predicted alternate stop codon (p.S21698Kfs*15). This exon is located in the A-band region of the N2-B isoform of the titin protein and is constitutively expressed in TTN transcripts (percent spliced in or PSI 100%). This variant was reported in individual(s) with features consistent with dilated cardiomyopathy (Ambry internal data). This variant is considered to be rare based on population cohorts in the Genome Aggregation Database (gnomAD). This variant is expected to result in loss of function by premature protein truncation or nonsense-mediated mRNA decay. While truncating variants in TTN are present in 1-3% of the general population, truncating variants in the A-band are the most common cause of dilated cardiomyopathy (Herman DS et al. N. Engl. J. Med., 2012 Feb;366:619-28; Roberts AM et al. Sci Transl Med, 2015 Jan;7:270ra6). TTN truncating variants encoded in constitutive exons (PSI >90%) have been found to be significantly associated with DCM regardless of their position in titin (Schafer S et al. Nat. Genet., 2017 01;49:46-53; Akhtar MM et al. Circ Heart Fail, 2020 Oct;13:e006832; Massier M et al. Clin Genet, 2025 Jan). Based on the majority of available evidence to date, this variant is likely to be pathogenic.